The following is an entry in ClinVar:

ClinVar aggregate classification (germline): Uncertain significance (1 of 4 stars; one submission).

Conditions:
BTK-related disorder. Also called: BTK-related condition.

gnomAD v4.1: 1 of 1,210,110 alleles (0.000083%); highest among the groups gnomAD compares: Non-Finnish European, 0.00011%; no homozygotes.

Submission:

PreventionGenetics, part of Exact Sciences
Classification: Uncertain significance for BTK-related condition. Last evaluated: 2025-09-17. Review status: criteria provided, single submitter. Criteria: ACMG Guidelines, 2015. Collection method: clinical testing. Allele origin: germline.
Comment: The BTK c.1173A>G variant is not predicted to result in an amino acid change (p.=). This variant is predicted to alter splicing based on available splicing prediction programs (SpliceAI, Jaganathan et al. 2019. PubMed ID: 30661751). This variant has been reported in two individuals with agammaglobulinaemia (Conley et al. 1998. PubMed ID: 9545398; Chear et al. 2015. PubMed ID: 25680287). This variant has not been reported in a large population database (gnomAD), indicating this variant is rare. At this time, the clinical significance of this variant is uncertain due to the absence of conclusive functional and genetic evidence.

NM_000061.3(BTK):c.1173A>G (p.Gly391=)

Gene: BTK (Bruton tyrosine kinase; minus strand). Cytogenetic location: Xq22.1.
Variant type: single nucleotide variant.
Coding change: c.1173A>G on transcript NM_000061.3 (MANE Select); coding-DNA position 1173, A replaced by G.
Protein change: p.Gly391=; no amino-acid change (glycine 391 retained).
Molecular consequence: synonymous variant. On other transcripts: intron variant (1).
Genome position (GRCh38, 1-based): chrX:101,357,513, T>C on the plus strand (A>G on the coding strand, the complement: BTK is on the minus strand). VCF-style: chrX-101357513-T-C. GRCh37 (hg19) VCF-style: chrX-100612501-T-C.
Other names: c.1275A>G, p.Gly425= (NM_001287344.2); c.1038+861A>G (NM_001287345.2).
Identifiers: ClinVar variation 4998319 (VCV004998319.1).
Genomic context (GRCh38, chrX:101,357,513, plus strand): 5'-AAAGGTAGTTTTTGCAACTGGCCAGTCCACCCTACCCCAGAGAAATAAGGAGTTACCGTA[T>C]CCCAGGCCTGCAGTGGAAGGTGCATTCTTGTTTTGTTGAGACACTGGATATTTGAGCCTG-3'
Protein context (NP_000052.1, residues 381-401): NKNAPSTAGL[Gly391=]YGSWEIDPKD